The following is an entry in ClinVar:

ClinVar aggregate classification (germline): Uncertain significance. Review status: criteria provided, single submitter (1 of 4 stars). 2 submissions from 2 submitters: Uncertain significance (1). 1 of the submissions does not count toward it. Last evaluated 2025-03-12.

Conditions:
Charcot-Marie-Tooth disease axonal type 2C (HMSN2C). Also called: Charcot-Marie-Tooth Disease Type 2, TRPV4-Related (CMT2C); CHARCOT-MARIE-TOOTH DISEASE, AXONAL, AUTOSOMAL DOMINANT, TYPE 2C; Charcot-Marie-Tooth Neuropathy Type 2C. Identifiers: Orphanet 99937, MedGen C1853710, MONDO:0011633, OMIM 606071.

Allele frequency attached by ClinVar (database versions not stated): gnomAD exomes 0.00001.
gnomAD v4.1: 8 of 1,613,664 alleles (0.0005%); highest among the groups gnomAD compares: Non-Finnish European, 0.00059%; no homozygotes.

Submissions (2):

Labcorp Genetics (formerly Invitae), Labcorp
Classification: Uncertain significance for Charcot-Marie-Tooth disease axonal type 2C. Last evaluated: 2025-03-12. Review status: criteria provided, single submitter. Criteria: Invitae Variant Classification Sherloc (09022015). Collection method: clinical testing. Allele origin: germline.
Comment: This sequence change replaces methionine, which is neutral and non-polar, with threonine, which is neutral and polar, at codon 482 of the TRPV4 protein (p.Met482Thr). This variant is not present in population databases (gnomAD no frequency). This variant has not been reported in the literature in individuals affected with TRPV4-related conditions. ClinVar contains an entry for this variant (Variation ID: 590924). Invitae Evidence Modeling of protein sequence and biophysical properties (such as structural, functional, and spatial information, amino acid conservation, physicochemical variation, residue mobility, and thermodynamic stability) has been performed for this missense variant. However, the output from this modeling did not meet the statistical confidence thresholds required to predict the impact of this variant on TRPV4 protein function. In summary, the available evidence is currently insufficient to determine the role of this variant in disease. Therefore, it has been classified as a Variant of Uncertain Significance.

Institute of Human Genetics, Cologne University
Classification: Uncertain significance for Charcot-Marie-Tooth disease axonal type 2C. Review status: no assertion criteria provided. Collection method: clinical testing. Allele origin: germline. Inheritance: Autosomal dominant inheritance. Affected: yes. Observed: 1 heterozygote. Not counted in ClinVar's aggregate classification.

NM_021625.5(TRPV4):c.1445T>C (p.Met482Thr)

Gene: TRPV4 (transient receptor potential cation channel subfamily V member 4; minus strand). Cytogenetic location: 12q24.11.
Variant type: single nucleotide variant.
Coding change: c.1445T>C on transcript NM_021625.5 (MANE Select); coding-DNA position 1445, T replaced by C.
Protein change: p.Met482Thr; replaces methionine 482 with threonine.
Molecular consequence: missense variant.
Genome position (GRCh38, 1-based): chr12:109,794,375, A>G on the plus strand (T>C on the coding strand, the complement: TRPV4 is on the minus strand). VCF-style: chr12-109794375-A-G. GRCh37 (hg19) VCF-style: chr12-110232180-A-G.
Other names: c.1304T>C, p.Met435Thr (NM_001177428.2); c.1343T>C, p.Met448Thr (NM_001177431.2); c.1124T>C, p.Met375Thr (NM_001177433.2); c.1265T>C, p.Met422Thr (NM_147204.3); short protein forms M482T, M435T, M375T, M422T, M448T.
Identifiers: ClinVar variation 590924 (VCV000590924.10), dbSNP rs1565866454, ClinGen allele CA386652917.